The following is an entry in ClinVar:

NM_001042492.3(NF1):c.4280T>G (p.Leu1427Ter)

Gene: NF1 (neurofibromin 1; plus strand). Cytogenetic location: 17q11.2.
Variant type: single nucleotide variant.
Coding change: c.4280T>G on transcript NM_001042492.3 (MANE Select); coding-DNA position 4280, T replaced by G.
Protein change: p.Leu1427Ter; replaces leucine 1427 with a stop codon.
Molecular consequence: nonsense.
Genome position (GRCh38, 1-based): chr17:31,258,450, T>G. VCF-style: chr17-31258450-T-G. GRCh37 (hg19) VCF-style: chr17-29585468-T-G.
Other names: c.4217T>G, p.Leu1406Ter (NM_000267.4); short protein forms L1406*, L1427*.
Identifiers: ClinVar variation 957201 (VCV000957201.8), dbSNP rs1177433867, ClinGen allele CA398997998.

ClinVar aggregate classification (germline): Pathogenic. Review status: criteria provided, multiple submitters, no conflicts (2 of 4 stars). 2 submissions from 2 submitters: Pathogenic (2). Last evaluated 2022-03-30.

Conditions:
Neurofibromatosis, type 1 (NF1). Also called: Peripheral type neurofibromatosis; VON RECKLINGHAUSEN DISEASE; NEUROFIBROMATOSIS, TYPE I, SOMATIC; Neurofibromatosis, type I. Identifiers: Orphanet 636, MedGen C0027831, MONDO:0018975, OMIM 162200. Disease mechanism: loss of function.

gnomAD v4.1: 1 of 1,614,038 alleles (0.000062%); highest among the groups gnomAD compares: Non-Finnish European, 0.000085%; no homozygotes.

Submissions (2):

MGZ Medical Genetics Center
Classification: Pathogenic for Neurofibromatosis, type 1. Last evaluated: 2022-03-30. Review status: criteria provided, single submitter. Criteria: ACMG Guidelines, 2015. Collection method: clinical testing. Allele origin: germline. Affected: yes. Observed: 1 variant allele.
Comment: ACMG criteria applied: PVS1, PM2_SUP, PP4

Labcorp Genetics (formerly Invitae), Labcorp
Classification: Pathogenic for Neurofibromatosis, type 1. Last evaluated: 2019-09-23. Review status: criteria provided, single submitter. Criteria: Invitae Variant Classification Sherloc (09022015). Collection method: clinical testing. Allele origin: germline.
Comment: For these reasons, this variant has been classified as Pathogenic. Loss-of-function variants in NF1 are known to be pathogenic (PMID: 10712197, 23913538). This variant is not present in population databases (ExAC no frequency). This sequence change creates a premature translational stop signal (p.Leu1406*) in the NF1 gene. It is expected to result in an absent or disrupted protein product.

Literature cited by the submitters: PubMed 10712197 (cited by Labcorp Genetics (formerly Invitae), Labcorp); PubMed 23913538 (cited by Labcorp Genetics (formerly Invitae), Labcorp).